The following is an entry in ClinVar:

NM_000246.4(CIITA):c.365T>C (p.Ile122Thr)

Gene: CIITA (class II major histocompatibility complex transactivator; plus strand). Cytogenetic location: 16p13.13.
Variant type: single nucleotide variant.
Coding change: c.365T>C on transcript NM_000246.4 (MANE Select); coding-DNA position 365, T replaced by C.
Protein change: p.Ile122Thr; replaces isoleucine 122 with threonine.
Molecular consequence: missense variant. On other transcripts: non-coding transcript variant (1).
Genome position (GRCh38, 1-based): chr16:10,898,931, T>C. VCF-style: chr16-10898931-T-C. GRCh37 (hg19) VCF-style: chr16-10992788-T-C.
Other names: c.368T>C, p.Ile123Thr (NM_001286402.1, NM_001379330.1, NM_001379332.1); c.365T>C, p.Ile122Thr (NM_001286403.2, NM_001379331.1, NM_001379333.1); c.296T>C, p.Ile99Thr (NM_001379334.1); short protein forms I122T, I123T, I99T.
Identifiers: ClinVar variation 1431979 (VCV001431979.6), dbSNP rs764371715, ClinGen allele CA394727480.
Genomic context (GRCh38, chr16:10,898,931, plus strand): 5'-CACCTTGGGCTTTCATTGATTGTGTGAGTTGGTCTCTGGTTTTTCTCAAAGTAGAGCACA[T>C]AGGACCAGATGAAGTGATCGGTGAGAGTATGGAGATGCCAGCAGAAGTTGGGCAGAAAAG-3'
Protein context (NP_000237.2, residues 112-132): EGLSKDIFKH[Ile122Thr]GPDEVIGESM

ClinVar aggregate classification (germline): Uncertain significance (1 of 4 stars; one submission).

Conditions:
MHC class II deficiency. Also called: BLS, TYPE II; Bare lymphocyte syndrome 2. Identifiers: Orphanet 572, MedGen C5447452, MONDO:0008855.

Submission:

Labcorp Genetics (formerly Invitae), Labcorp
Classification: Uncertain significance for MHC class II deficiency. Last evaluated: 2023-08-21. Review status: criteria provided, single submitter. Criteria: Invitae Variant Classification Sherloc (09022015). Collection method: clinical testing. Allele origin: germline.
Comment: In summary, the available evidence is currently insufficient to determine the role of this variant in disease. Therefore, it has been classified as a Variant of Uncertain Significance. Algorithms developed to predict the effect of sequence changes on RNA splicing suggest that this variant may create or strengthen a splice site. An algorithm developed to predict the effect of missense changes on protein structure and function (PolyPhen-2) suggests that this variant is likely to be disruptive. ClinVar contains an entry for this variant (Variation ID: 1431979). This variant has not been reported in the literature in individuals affected with CIITA-related conditions. This variant is not present in population databases (gnomAD no frequency). This sequence change replaces isoleucine, which is neutral and non-polar, with threonine, which is neutral and polar, at codon 122 of the CIITA protein (p.Ile122Thr).